The following is an entry in ClinVar:

NM_018082.6(POLR3B):c.2648T>C (p.Met883Thr)

Gene: POLR3B (RNA polymerase III subunit B; plus strand). Cytogenetic location: 12q23.3.
Variant type: single nucleotide variant.
Coding change: c.2648T>C on transcript NM_018082.6 (MANE Select); coding-DNA position 2648, T replaced by C.
Protein change: p.Met883Thr; replaces methionine 883 with threonine.
Molecular consequence: missense variant.
Genome position (GRCh38, 1-based): chr12:106,463,555, T>C. VCF-style: chr12-106463555-T-C. GRCh37 (hg19) VCF-style: chr12-106857333-T-C.
Other names: c.2474T>C, p.Met825Thr (NM_001160708.2); c.2648T>C (NM_018082.5); short protein forms M825T, M883T.
Identifiers: ClinVar variation 2168981 (VCV002168981.5), dbSNP rs757392794, ClinGen allele CA6762247.
Genomic context (GRCh38, chr12:106,463,555, plus strand): 5'-ACTCATATATTGAAAAAGTGATGATATCTTCAAATGCTGAAGATGCTTTTCTGATCAAAA[T>C]GCTGCTGAGACAGACAAGGCGTCCAGAAATTGGAGACAAATTCAGCAGTCGTCATGGGCA-3'
Protein context (NP_060552.4, residues 873-893): SNAEDAFLIK[Met883Thr]LLRQTRRPEI

ClinVar aggregate classification (germline): Uncertain significance. Review status: criteria provided, multiple submitters, no conflicts (2 of 4 stars). 3 submissions from 3 submitters: Uncertain significance (3). Last evaluated 2025-04-15.

Conditions:
Leukodystrophy, hypomyelinating, 8, with or without oligodontia and/or hypogonadotropic hypogonadism. Also called: Endosteal sclerosis-cerebellar hypoplasia syndrome; Hypomyelinating leukodystrophy 8 with or without oligodontia and-or hypogonadotropic hypogonadism; LEUKODYSTROPHY, HYPOMYELINATING, 8, WITH HYPODONTIA AND HYPOGONADOTROPIC HYPOGONADISM. Identifiers: Orphanet 85186, Orphanet 88637, MedGen C3280644, MONDO:0013722, OMIM 614381.

Allele frequency attached by ClinVar (database versions not stated): gnomAD 0.00003; gnomAD exomes 0.00003; ExAC 0.00004; TOPMed 0.00006.
gnomAD v4.1: 47 of 1,613,560 alleles (0.0029%); highest among the groups gnomAD compares: East Asian, 0.0045%; no homozygotes.

Submissions (3):

GeneDx
Classification: Uncertain significance. Last evaluated: 2025-04-15. Review status: criteria provided, single submitter. Criteria: GeneDx Variant Classification Process June 2021. Collection method: clinical testing. Allele origin: germline. Affected: yes.
Comment: In silico analysis indicates that this missense variant does not alter protein structure/function; Has not been previously published as pathogenic or benign to our knowledge

Labcorp Genetics (formerly Invitae), Labcorp
Classification: Uncertain significance. Last evaluated: 2022-09-21. Review status: criteria provided, single submitter. Criteria: Invitae Variant Classification Sherloc (09022015). Collection method: clinical testing. Allele origin: germline.
Comment: In summary, the available evidence is currently insufficient to determine the role of this variant in disease. Therefore, it has been classified as a Variant of Uncertain Significance. Advanced modeling of protein sequence and biophysical properties (such as structural, functional, and spatial information, amino acid conservation, physicochemical variation, residue mobility, and thermodynamic stability) performed at Invitae indicates that this missense variant is not expected to disrupt POLR3B protein function. This variant has not been reported in the literature in individuals affected with POLR3B-related conditions. This variant is present in population databases (rs757392794, gnomAD 0.1%). This sequence change replaces methionine, which is neutral and non-polar, with threonine, which is neutral and polar, at codon 883 of the POLR3B protein (p.Met883Thr).

Juno Genomics, Hangzhou Juno Genomics, Inc
Classification: Uncertain significance for Leukodystrophy, hypomyelinating, 8, with or without oligodontia and/or hypogonadotropic hypogonadism. Review status: criteria provided, single submitter. Criteria: ACMG Guidelines, 2015. Collection method: clinical testing. Allele origin: germline. Affected: yes.
Comment: Absent from controls (or at extremely low frequency if recessive) in Genome Aggregation Database, Exome Sequencing Project, 1000 Genomes Project, or Exome Aggregation Consortium.;Missense variant in a gene that has a low rate of benign missense variation and where missense variants are a common mechanism of disease.;For recessive disorders, detected in trans with a pathogenic variant.